The following is an entry in ClinVar:

ClinVar aggregate classification (germline): Uncertain significance (1 of 4 stars; one submission).

Allele frequency attached by ClinVar (database versions not stated): gnomAD exomes below 0.00001; TOPMed below 0.00001.

Submission:

Labcorp Genetics (formerly Invitae), Labcorp
Classification: Uncertain significance. Last evaluated: 2025-08-15. Review status: criteria provided, single submitter. Criteria: Invitae Variant Classification Sherloc (09022015). Collection method: clinical testing. Allele origin: germline.
Comment: This sequence change replaces methionine, which is neutral and non-polar, with threonine, which is neutral and polar, at codon 1129 of the ITPR1 protein (p.Met1129Thr). This variant is not present in population databases (gnomAD no frequency). This variant has not been reported in the literature in individuals affected with ITPR1-related conditions. ClinVar contains an entry for this variant (Variation ID: 2094791). An algorithm developed to predict the effect of missense changes on protein structure and function outputs the following: PolyPhen-2: "Benign". The threonine amino acid residue is found in multiple mammalian species, which suggests that this missense change does not adversely affect protein function. In summary, the available evidence is currently insufficient to determine the role of this variant in disease. Therefore, it has been classified as a Variant of Uncertain Significance.

NM_001378452.1(ITPR1):c.3458T>C (p.Met1153Thr)

Gene: ITPR1 (inositol 1,4,5-trisphosphate receptor type 1; plus strand). Cytogenetic location: 3p26.1.
Variant type: single nucleotide variant.
Coding change: c.3458T>C on transcript NM_001378452.1 (MANE Select); coding-DNA position 3458, T replaced by C.
Protein change: p.Met1153Thr; replaces methionine 1153 with threonine.
Molecular consequence: missense variant.
Genome position (GRCh38, 1-based): chr3:4,683,758, T>C. VCF-style: chr3-4683758-T-C. GRCh37 (hg19) VCF-style: chr3-4725442-T-C.
Other names: c.3431T>C, p.Met1144Thr (NM_001099952.4); c.3413T>C, p.Met1138Thr (NM_001168272.2); c.3386T>C, p.Met1129Thr (NM_002222.7); short protein forms M1129T, M1144T, M1153T, M1138T.
Identifiers: ClinVar variation 2094791 (VCV002094791.4), dbSNP rs2094341061, ClinGen allele CA351651175.
Genomic context (GRCh38, chr3:4,683,758, plus strand): 5'-GGTCCATCGTGGAAAAGTCAGAGCTTTGGGTGTACAAAGGGCAGGGCCCCGATGAGACTA[T>C]GGATGGTGCATCTGGAGAAAATGAACATAAGAAAACGGAGGTGAGTGAAACACAAGTTAT-3'
Protein context (NP_001365381.1, residues 1143-1163): VYKGQGPDET[Met1153Thr]DGASGENEHK